The following is an entry in ClinVar:

ClinVar aggregate classification (germline): Pathogenic (1 of 4 stars; one submission).

Submission:

Labcorp Genetics (formerly Invitae), Labcorp
Classification: Pathogenic. Last evaluated: 2022-02-19. Review status: criteria provided, single submitter. Criteria: Invitae Variant Classification Sherloc (09022015). Collection method: clinical testing. Allele origin: germline.
Comment: For these reasons, this variant has been classified as Pathogenic. This variant has not been reported in the literature in individuals affected with ATP6V1B1-related conditions. This variant is not present in population databases (gnomAD no frequency). This sequence change creates a premature translational stop signal (p.Glu82Glyfs*82) in the ATP6V1B1 gene. It is expected to result in an absent or disrupted protein product. Loss-of-function variants in ATP6V1B1 are known to be pathogenic (PMID: 9916796, 18368028).

Literature cited by the submitters: PubMed 9916796; PubMed 18368028.

NM_001692.4(ATP6V1B1):c.245del (p.Glu82fs)

Gene: ATP6V1B1 (ATPase H+ transporting V1 subunit B1; plus strand). Cytogenetic location: 2p13.3.
Variant type: Deletion.
Coding change: c.245del on transcript NM_001692.4 (MANE Select); coding-DNA position 245, one base deleted (A; older notation c.245delA).
Protein change: p.Glu82fs; shifts the reading frame from glutamic acid 82.
Molecular consequence: frameshift variant.
Genome position (GRCh38, 1-based): chr2:70,958,116, A deleted. VCF-style (leftmost placement, unchanged base first): chr2-70958115-GA-G. GRCh37 (hg19) VCF-style: chr2-71185245-GA-G.
Other names: short protein forms E82fs.
Identifiers: ClinVar variation 2099318 (VCV002099318.4), dbSNP rs2466284158, ClinGen allele CA2580067743.
Genomic context (GRCh38, chr2:70,958,115, plus strand): 5'-TATGCGGAGATCGTCCACTTCACCCTCCCAGATGGGACTCAGAGGAGCGGGCAGGTGCTT[GA>G]GGTGGCTGGCACCAAGGCGATTGTTCAGGTGAGTGGGGTCAATGGGACATTGGCTAGTTA-3'